The following is an entry in ClinVar:

ClinVar aggregate classification (germline): Pathogenic (1 of 4 stars; one submission).

Conditions:
Inborn genetic diseases. Identifiers: MedGen C0950123, MeSH D030342.

Submission:

Ambry Genetics
Classification: Pathogenic for Inborn genetic diseases. Last evaluated: 2023-08-02. Review status: criteria provided, single submitter. Criteria: Ambry Variant Classification Scheme 2023. Collection method: clinical testing. Allele origin: germline.
Comment: The c.3086dupC (p.G1030Rfs*20) alteration, located in exon 33 (coding exon 32) of the COL4A4 gene, consists of a duplication of C at position 3086, causing a translational frameshift with a predicted alternate stop codon after 20 amino acids. This alteration is expected to result in loss of function by premature protein truncation or nonsense-mediated mRNA decay. This variant was not reported in population-based cohorts in the Genome Aggregation Database (gnomAD). Based on the available evidence, this alteration is classified as pathogenic.

NM_000092.5(COL4A4):c.3086dup (p.Gly1030fs)

Gene: COL4A4 (collagen type IV alpha 4 chain; minus strand). Cytogenetic location: 2q36.3.
Variant type: Duplication.
Coding change: c.3086dup on transcript NM_000092.5 (MANE Select); coding-DNA position 3086, one base duplicated (C; older notation c.3086dupC).
Protein change: p.Gly1030fs; shifts the reading frame from glycine 1030.
Molecular consequence: frameshift variant.
Genome position (GRCh38, 1-based): chr2:227,051,041, G duplicated on the plus strand (C on the coding strand, the reverse complement: COL4A4 is on the minus strand); the first of 5 consecutive G bases (chr2:227,051,041-227,051,045); duplicating any one gives the same sequence. VCF-style (leftmost placement, unchanged base first): chr2-227051040-T-TG. GRCh37 (hg19) VCF-style: chr2-227915756-T-TG.
Other names: c.3086dupC (NM_000092.4); short protein forms G1030fs.
Identifiers: ClinVar variation 2610064 (VCV002610064.2), dbSNP rs2473970265, ClinGen allele CA2582342140.